The following is an entry in ClinVar:

ClinVar aggregate classification (germline): Uncertain significance. Review status: criteria provided, multiple submitters, no conflicts (2 of 4 stars). 2 submissions from 2 submitters: Uncertain significance (2). Last evaluated 2024-08-05.

Conditions:
Inborn genetic diseases. Identifiers: MedGen C0950123, MeSH D030342.

Submissions (2):

Ambry Genetics
Classification: Uncertain significance for Inborn genetic diseases. Last evaluated: 2024-08-05. Review status: criteria provided, single submitter. Criteria: Ambry Variant Classification Scheme 2023. Collection method: clinical testing. Allele origin: germline.

GeneDx
Classification: Uncertain significance. Last evaluated: 2024-06-02. Review status: criteria provided, single submitter. Criteria: GeneDx Variant Classification Process June 2021. Collection method: clinical testing. Allele origin: germline. Affected: yes.
Comment: Not observed at significant frequency in large population cohorts (gnomAD); In silico analysis indicates that this missense variant does not alter protein structure/function; Has not been previously published as pathogenic or benign to our knowledge

NM_001004127.3(ALG11):c.1007C>T (p.Ser336Leu)

Genes: ALG11 (ALG11 alpha-1,2-mannosyltransferase; plus strand), UTP14C (UTP14C small subunit processome component; plus strand). Cytogenetic location: 13q14.3.
Variant type: single nucleotide variant.
Coding change: c.1007C>T on transcript NM_001004127.3 (MANE Select); coding-DNA position 1007, C replaced by T.
Protein change: p.Ser336Leu; replaces serine 336 with leucine.
Molecular consequence: missense variant. On other transcripts: 5 prime UTR variant (1).
Genome position (GRCh38, 1-based): chr13:52,024,737, C>T. VCF-style: chr13-52024737-C-T. GRCh37 (hg19) VCF-style: chr13-52598873-C-T.
Other names: c.-687C>T (NM_021645.6); c.1007C>T (NM_001004127.2); short protein forms S336L.
Identifiers: ClinVar variation 3383834 (VCV003383834.2).
Genomic context (GRCh38, chr13:52,024,737, plus strand): 5'-CATTGCAGATCAGAGCCTTTGCTAAATTGCTGAATAAGAAGATGGTTGAGTCACCTCCTT[C>T]GCTTAAACTTGTCCTCATTGGAGGTTGTCGTAACAAAGATGATGAACTTAGGGTAAACCA-3'
Protein context (NP_001004127.2, residues 326-346): LNKKMVESPP[Ser336Leu]LKLVLIGGCR